The following is an entry in ClinVar:

ClinVar aggregate classification (germline): Likely benign. Review status: criteria provided, multiple submitters, no conflicts (2 of 4 stars). 2 submissions from 2 submitters: Likely benign (2). Last evaluated 2022-03-09.

Conditions:
ANKRD1-related dilated cardiomyopathy. Identifiers: MedGen CN119551.

Submissions (2):

Labcorp Genetics (formerly Invitae), Labcorp
Classification: Likely benign for ANKRD1-related dilated cardiomyopathy. Last evaluated: 2022-03-09. Review status: criteria provided, single submitter. Criteria: Invitae Variant Classification Sherloc (09022015). Collection method: clinical testing. Allele origin: germline.

Laboratory for Molecular Medicine, Mass General Brigham Personalized Medicine
Classification: Likely benign. Last evaluated: 2014-01-07. Review status: criteria provided, single submitter. Criteria: LMM Criteria. Collection method: clinical testing. Allele origin: germline. Observed: 1 variant allele.
Comment: 346-18_346-9del variant in intron 3 of ANKRD1: This variant is not expected to have clinical significance because it lies within a highly variable region of th e intron where multiple deletions of various sizes exist in the general populati on. The majority of these are common, suggesting that variation in this region in general is tolerated.

NM_014391.3(ANKRD1):c.346-18_346-9del

Gene: ANKRD1 (ankyrin repeat domain 1; minus strand). Cytogenetic location: 10q23.31.
Variant type: Deletion.
Coding change: c.346-18_346-9del on transcript NM_014391.3 (MANE Select); 18 bases into the intron before coding-DNA position 346 through 9 bases into the intron before coding-DNA position 346, 10 bases deleted (TATTTATTTT; older notation c.346-18_346-9delTATTTATTTT).
Molecular consequence: intron variant.
Genome position (GRCh38, 1-based): chr10:90,918,981-90,918,990, AAAATAAATA deleted on the plus strand (TATTTATTTT on the coding strand, the reverse complement: ANKRD1 is on the minus strand); deleting any 10 consecutive bases within chr10:90,918,981-90,918,992 gives the same sequence; the c. name uses the placement nearest the transcript's 3' end. VCF-style (leftmost placement, unchanged base first): chr10-90918980-CAAAATAAATA-C. GRCh37 (hg19) VCF-style: chr10-92678737-CAAAATAAATA-C.
Other names: c.346-18_346-9delTATTTATTTT (NM_014391.2).
Identifiers: ClinVar variation 162748 (VCV000162748.13), dbSNP rs727502890, ClinGen allele CA175246.
Genomic context (GRCh38, chr10:90,918,980, plus strand): 5'-AGTTTATTCTCCAGAGCAGCCTTCAGAAACGTAGGCACATCCACAGGTTCCGTCTAAAGC[CAAAATAAATA>C]AATATATATATATATATATATATATAGCATGAGAGTTACCGTGAGCTTGCCAGCATTCAA-3'